The following is an entry in ClinVar:

NM_018089.3(ANKZF1):c.2015C>T (p.Ala672Val)

Gene: ANKZF1 (ankyrin repeat and zinc finger peptidyl tRNA hydrolase 1; plus strand). Cytogenetic location: 2q35.
Variant type: single nucleotide variant.
Coding change: c.2015C>T on transcript NM_018089.3 (MANE Select); coding-DNA position 2015, C replaced by T.
Protein change: p.Ala672Val; replaces alanine 672 with valine.
Molecular consequence: missense variant.
Genome position (GRCh38, 1-based): chr2:219,236,053, C>T. VCF-style: chr2-219236053-C-T. GRCh37 (hg19) VCF-style: chr2-220100775-C-T.
Other names: c.2015C>T, p.Ala672Val (NM_001042410.2); c.1385C>T, p.Ala462Val (NM_001282792.2); short protein forms A672V, A462V.
Identifiers: ClinVar variation 4725821 (VCV004725821.1).
Genomic context (GRCh38, chr2:219,236,053, plus strand): 5'-CAACTTGTCTCCCTCAGAGAGCTCTGGCTGCAGAGCGCCGACTCGCTGCCCAGTTGGGAG[C>T]CCCTACCTCTCCAATCCCTGACTCTGCAATCGTCAATACTCGGTATGGGGTGCGGGATGA-3'
Protein context (NP_060559.2, residues 662-682): AERRLAAQLG[Ala672Val]PTSPIPDSAI

ClinVar aggregate classification (germline): Uncertain significance (1 of 4 stars; one submission).

Submission:

Labcorp Genetics (formerly Invitae), Labcorp
Classification: Uncertain significance. Last evaluated: 2025-09-05. Review status: criteria provided, single submitter. Criteria: Invitae Variant Classification Sherloc (09022015). Collection method: clinical testing. Allele origin: germline.
Comment: This sequence change replaces alanine, which is neutral and non-polar, with valine, which is neutral and non-polar, at codon 672 of the ANKZF1 protein (p.Ala672Val). This variant is not present in population databases (gnomAD no frequency). This variant has not been reported in the literature in individuals affected with ANKZF1-related conditions. An algorithm developed to predict the effect of missense changes on protein structure and function outputs the following: PolyPhen-2: "Benign". The valine amino acid residue is found in multiple mammalian species, which suggests that this missense change does not adversely affect protein function. In summary, the available evidence is currently insufficient to determine the role of this variant in disease. Therefore, it has been classified as a Variant of Uncertain Significance.